The following is an entry in ClinVar:

NM_198129.4(LAMA3):c.6000_6003dup (p.Leu2002fs)

Gene: LAMA3 (laminin subunit alpha 3; plus strand). Cytogenetic location: 18q11.2.
Variant type: Duplication.
Coding change: c.6000_6003dup on transcript NM_198129.4 (MANE Select); coding-DNA positions 6000 to 6003, 4 bases duplicated (GCTC; older notation c.6000_6003dupGCTC).
Protein change: p.Leu2002fs; shifts the reading frame from leucine 2002.
Molecular consequence: frameshift variant. On other transcripts: intron variant (2).
Genome position (GRCh38, 1-based): chr18:23,899,451-23,899,454, GCTC duplicated. VCF-style (leftmost placement, unchanged base first): chr18-23899450-A-AGCTC. GRCh37 (hg19) VCF-style: chr18-21479414-A-AGCTC.
Other names: c.1173_1176dup, p.Leu393fs (NM_000227.6); c.5836+386_5836+389dup (NM_001127717.4); c.1009+386_1009+389dup (NM_001127718.4); short protein forms L393fs, L2002fs.
Identifiers: ClinVar variation 2758805 (VCV002758805.3), dbSNP rs2511382133, ClinGen allele CA2697555351.

ClinVar aggregate classification (germline): Pathogenic (1 of 4 stars; one submission).

Submission:

Labcorp Genetics (formerly Invitae), Labcorp
Classification: Pathogenic. Last evaluated: 2023-09-15. Review status: criteria provided, single submitter. Criteria: Invitae Variant Classification Sherloc (09022015). Collection method: clinical testing. Allele origin: germline.
Comment: This sequence change creates a premature translational stop signal (p.Leu393Alafs*22) in the LAMA3 gene. It is expected to result in an absent or disrupted protein product. Loss-of-function variants in LAMA3 are known to be pathogenic (PMID: 10366601, 11810295, 12915477, 16473856, 17362460, 22434185, 23869449, 27827380, 28087116). For these reasons, this variant has been classified as Pathogenic. This variant has not been reported in the literature in individuals affected with LAMA3-related conditions. This variant is not present in population databases (gnomAD no frequency).

Literature cited by the submitters: PubMed 10366601; PubMed 11810295; PubMed 12915477; PubMed 16473856; PubMed 17362460; PubMed 22434185; PubMed 23869449; PubMed 27827380; PubMed 28087116.